The following is an entry in ClinVar:

NM_001394062.1(MACF1):c.11513A>G (p.Asn3838Ser)

Gene: MACF1 (microtubule actin crosslinking factor 1; plus strand). Cytogenetic location: 1p34.3.
Variant type: single nucleotide variant.
Coding change: c.11513A>G on transcript NM_001394062.1 (MANE Select); coding-DNA position 11513, A replaced by G.
Protein change: p.Asn3838Ser; replaces asparagine 3838 with serine.
Molecular consequence: missense variant.
Genome position (GRCh38, 1-based): chr1:39,357,463, A>G. VCF-style: chr1-39357463-A-G. GRCh37 (hg19) VCF-style: chr1-39823135-A-G.
Other names: c.5327A>G, p.Asn1776Ser (NM_012090.5); c.5327A>G (NM_012090.4); short protein forms N1776S, N3838S.
Identifiers: ClinVar variation 2045419 (VCV002045419.6), dbSNP rs146102906, ClinGen allele CA781610.

ClinVar aggregate classification (germline): Likely benign. Review status: criteria provided, multiple submitters, no conflicts (2 of 4 stars). 3 submissions from 3 submitters: Likely benign (3). Last evaluated 2026-05-11.

Conditions:
MACF1-related disorder. Also called: MACF1-related condition.
Inborn genetic diseases. Identifiers: MedGen C0950123, MeSH D030342.

Allele frequency attached by ClinVar (database versions not stated): gnomAD exomes 0.00007; ExAC 0.00016; ESP Exome Variant Server 0.00031; gnomAD 0.00040; TOPMed 0.00040; 1000 Genomes Project 0.00080; 1000 Genomes Project 30x 0.00094.
gnomAD v4.1: 168 of 1,614,174 alleles (0.01%); highest among the groups gnomAD compares: African/African-American, 0.12%; no homozygotes.

Submissions (3):

PreventionGenetics, part of Exact Sciences
Classification: Likely benign for MACF1-related condition. Last evaluated: 2026-05-11. Review status: criteria provided, single submitter. Criteria: ACMG Guidelines, 2015. Collection method: clinical testing. Allele origin: germline.
Comment: This variant is classified as likely benign based on ACMG/AMP sequence variant interpretation guidelines (Richards et al. 2015 PMID: 25741868, with internal and published modifications).

Labcorp Genetics (formerly Invitae), Labcorp
Classification: Likely benign. Last evaluated: 2025-10-01. Review status: criteria provided, single submitter. Criteria: Invitae Variant Classification Sherloc (09022015). Collection method: clinical testing. Allele origin: germline.

Ambry Genetics
Classification: Likely benign for Inborn genetic diseases. Last evaluated: 2021-07-28. Review status: criteria provided, single submitter. Criteria: Ambry Variant Classification Scheme 2023. Collection method: clinical testing. Allele origin: germline.